The following is an entry in ClinVar:

ClinVar aggregate classification (germline): Likely pathogenic. Review status: criteria provided, single submitter (1 of 4 stars). 2 submissions from 2 submitters: Likely pathogenic (1). 1 of the submissions does not count toward it. Last evaluated 2024-01-22.

Conditions:
Charcot-Marie-Tooth disease. Also called: Charcot-Marie-Tooth Hereditary Neuropathy; Charcot-Marie-Tooth Neuropathy. Identifiers: Orphanet 166, MedGen C0007959, MONDO:0015626.

Submissions (2):

GeneDx
Classification: Likely pathogenic. Last evaluated: 2024-01-22. Review status: criteria provided, single submitter. Criteria: GeneDx Variant Classification Process June 2021. Collection method: clinical testing. Allele origin: germline. Affected: yes.
Comment: Not observed at significant frequency in large population cohorts (gnomAD); In silico analysis supports that this missense variant has a deleterious effect on protein structure/function; This variant is associated with the following publications: (PMID: 24863639, 20008656)

Inherited Neuropathy Consortium
Classification: Uncertain significance for Charcot-Marie-Tooth disease. Review status: no assertion criteria provided. Collection method: literature only. Allele origin: germline. Affected: yes. Not counted in ClinVar's aggregate classification.

Literature cited by the submitters: PubMed 20008656 (cited by Inherited Neuropathy Consortium).

NM_014874.4(MFN2):c.383A>G (p.His128Arg)

Gene: MFN2 (mitofusin 2; plus strand). Cytogenetic location: 1p36.22.
Variant type: single nucleotide variant.
Coding change: c.383A>G on transcript NM_014874.4 (MANE Select); coding-DNA position 383, A replaced by G.
Protein change: p.His128Arg; replaces histidine 128 with arginine.
Molecular consequence: missense variant.
Genome position (GRCh38, 1-based): chr1:11,996,227, A>G. VCF-style: chr1-11996227-A-G. GRCh37 (hg19) VCF-style: chr1-12056284-A-G.
Other names: c.383A>G, p.His128Arg (NM_001127660.2); short protein forms H128R.
Identifiers: ClinVar variation 637721 (VCV000637721.2), dbSNP rs1569829894, ClinGen allele CA338434515.